The following is an entry in ClinVar:

ClinVar aggregate classification (germline): Pathogenic (1 of 4 stars; one submission).

Conditions:
Long QT syndrome (LQTS). Identifiers: MedGen C0023976, MeSH D008133, MONDO:0002442. Disease mechanism: loss of function. Inheritance: Various modes of inheritance.

Submission:

Labcorp Genetics (formerly Invitae), Labcorp
Classification: Pathogenic for Long QT syndrome. Last evaluated: 2022-05-30. Review status: criteria provided, single submitter. Criteria: Invitae Variant Classification Sherloc (09022015). Collection method: clinical testing. Allele origin: germline.
Comment: For these reasons, this variant has been classified as Pathogenic. Experimental studies have shown that this frameshift affects KCNH2 function (PMID: 15572050). Algorithms developed to predict the effect of variants on protein structure and function are not available or were not evaluated for this variant. This frameshift has been observed in individuals with Long QT (PMID: 15572050; Invitae). This variant is not present in population databases (gnomAD no frequency). This sequence change results in a frameshift in the KCNH2 gene (p.Ala1124Glyfs*146). While this is not anticipated to result in nonsense mediated decay, it is expected to disrupt the last 36 amino acid(s) of the KCNH2 protein and extend the protein by 109 additional amino acid residues.

Literature cited by the submitters: PubMed 15572050.

NM_000238.4(KCNH2):c.3370dup (p.Ala1124fs)

Gene: KCNH2 (potassium voltage-gated channel subfamily H member 2; minus strand). Cytogenetic location: 7q36.1.
Variant type: Duplication.
Coding change: c.3370dup on transcript NM_000238.4 (MANE Select); coding-DNA position 3370, one base duplicated (G; older notation c.3370dupG).
Protein change: p.Ala1124fs; shifts the reading frame from alanine 1124.
Molecular consequence: frameshift variant.
Genome position (GRCh38, 1-based): chr7:150,945,475, C duplicated on the plus strand (G on the coding strand, the reverse complement: KCNH2 is on the minus strand); the first of 5 consecutive C bases (chr7:150,945,475-150,945,479); duplicating any one gives the same sequence. VCF-style (leftmost placement, unchanged base first): chr7-150945474-G-GC. GRCh37 (hg19) VCF-style: chr7-150642562-G-GC.
Other names: c.3078dup, p.Ala1028Glyfs (NM_001406753.1); c.2350dup, p.Ala784fs (NM_172057.3); short protein forms A1124fs, A784fs.
Identifiers: ClinVar variation 2130516 (VCV002130516.4), dbSNP rs2485995124, ClinGen allele CA578700830.
Genomic context (GRCh38, chr7:150,945,474, plus strand): 5'-GCCCCCAGCTGGCCCGGTAGGGAGAGGCGTCGTGTGGGGCCTTCTTGGGGAAGCTCTGGG[G>GC]CCCCCGGGGGCAGCTCCTCACACGCCATGAACTGGGAAACCTGCAATACACACAGAGCAT-3'